The following is an entry in ClinVar:

ClinVar aggregate classification (germline): Likely benign (1 of 4 stars; one submission).

gnomAD v4.1: 3 of 1,614,102 alleles (0.00019%); highest among the groups gnomAD compares: Non-Finnish European, 0.00017%; no homozygotes.

Submission:

CeGaT Center for Human Genetics Tuebingen
Classification: Likely benign. Last evaluated: 2022-07-01. Review status: criteria provided, single submitter. Criteria: CeGaT Center For Human Genetics Tuebingen Variant Classification Criteria Version 2. Collection method: clinical testing. Allele origin: germline. Affected: yes. Observed: 1 variant allele.
Comment: CRLF1: PM2:Supporting, BP4, BP7

NM_004750.5(CRLF1):c.966G>A (p.Lys322=)

Gene: CRLF1 (cytokine receptor like factor 1; minus strand). Cytogenetic location: 19p13.11.
Variant type: single nucleotide variant.
Coding change: c.966G>A on transcript NM_004750.5 (MANE Select); coding-DNA position 966, G replaced by A.
Protein change: p.Lys322=; no amino-acid change (lysine 322 retained).
Molecular consequence: synonymous variant.
Genome position (GRCh38, 1-based): chr19:18,596,680, C>T on the plus strand (G>A on the coding strand, the complement: CRLF1 is on the minus strand). VCF-style: chr19-18596680-C-T. GRCh37 (hg19) VCF-style: chr19-18707490-C-T.
Identifiers: ClinVar variation 2649585 (VCV002649585.24), dbSNP rs2513387042, ClinGen allele CA506116316.